The following is an entry in ClinVar:

NM_021930.6(RINT1):c.1913A>C (p.Glu638Ala)

Genes: EFCAB10 (EF-hand calcium binding domain 10; minus strand), RINT1 (RAD50 interactor 1; plus strand). Cytogenetic location: 7q22.3.
Variant type: single nucleotide variant.
Coding change: c.1913A>C on transcript NM_021930.6 (MANE Select); coding-DNA position 1913, A replaced by C.
Protein change: p.Glu638Ala; replaces glutamic acid 638 with alanine.
Molecular consequence: missense variant. On other transcripts: 3 prime UTR variant (3), non-coding transcript variant (1).
Genome position (GRCh38, 1-based): chr7:105,565,303, A>C. VCF-style: chr7-105565303-A-C. GRCh37 (hg19) VCF-style: chr7-105205750-A-C.
Other names: c.*144T>G (NM_001355526.2); c.*246T>G (NM_001355530.2); c.*99T>G (NM_001355531.2); c.1679A>C, p.Glu560Ala (NM_001346599.2); c.890A>C, p.Glu297Ala (NM_001346600.2, NM_001346603.2); c.989A>C, p.Glu330Ala (NM_001346601.2); short protein forms E297A, E330A, E560A, E638A.
Identifiers: ClinVar variation 4844519 (VCV004844519.1).

ClinVar aggregate classification (germline): Uncertain significance (1 of 4 stars; one submission).

Submission:

Ambry Genetics
Classification: Uncertain significance. Last evaluated: 2026-01-26. Review status: criteria provided, single submitter. Criteria: Ambry Variant Classification Scheme 2023. Collection method: clinical testing. Allele origin: germline.
Comment: The p.E638A variant (also known as c.1913A>C), located in coding exon 13 of the RINT1 gene, results from an A to C substitution at nucleotide position 1913. The glutamic acid at codon 638 is replaced by alanine, an amino acid with dissimilar properties. This amino acid position is conserved. In addition, this alteration is predicted to be tolerated by in silico analysis. Based on the available evidence, the clinical significance of this variant remains unclear.